The following is an entry in ClinVar:

NM_006059.4(LAMC3):c.1643G>A (p.Gly548Glu)

Genes: LAMC3 (laminin subunit gamma 3; plus strand), LOC126860777 (BRD4-independent group 4 enhancer GRCh37_chr9:133927058-133928257; plus strand). Cytogenetic location: 9q34.12.
Variant type: single nucleotide variant.
Coding change: c.1643G>A on transcript NM_006059.4 (MANE Select); coding-DNA position 1643, G replaced by A.
Protein change: p.Gly548Glu; replaces glycine 548 with glutamic acid.
Molecular consequence: missense variant.
Genome position (GRCh38, 1-based): chr9:131,052,503, G>A. VCF-style: chr9-131052503-G-A. GRCh37 (hg19) VCF-style: chr9-133927890-G-A.
Other names: short protein forms G548E.
Identifiers: ClinVar variation 1461577 (VCV001461577.8), dbSNP rs2133280901, ClinGen allele CA375263797.

ClinVar aggregate classification (germline): Uncertain significance (1 of 4 stars; one submission).

Allele frequency attached by ClinVar (database versions not stated): gnomAD exomes 0.00001.
gnomAD v4.1: 12 of 1,614,126 alleles (0.00074%); highest among the groups gnomAD compares: Non-Finnish European, 0.001%; no homozygotes.

Submission:

Labcorp Genetics (formerly Invitae), Labcorp
Classification: Uncertain significance. Last evaluated: 2021-04-28. Review status: criteria provided, single submitter. Criteria: Invitae Variant Classification Sherloc (09022015). Collection method: clinical testing. Allele origin: germline.
Comment: Algorithms developed to predict the effect of missense changes on protein structure and function are either unavailable or do not agree on the potential impact of this missense change (SIFT: "Deleterious"; PolyPhen-2: "Probably Damaging"; Align-GVGD: "Class C0"). In summary, the available evidence is currently insufficient to determine the role of this variant in disease. Therefore, it has been classified as a Variant of Uncertain Significance. This variant has not been reported in the literature in individuals with LAMC3-related conditions. This variant is not present in population databases (ExAC no frequency). This sequence change replaces glycine with glutamic acid at codon 548 of the LAMC3 protein (p.Gly548Glu). The glycine residue is highly conserved and there is a moderate physicochemical difference between glycine and glutamic acid.